The following is an entry in ClinVar:

ClinVar aggregate classification (germline): Uncertain significance (1 of 4 stars; one submission).

Submission:

Women's Health and Genetics/Laboratory Corporation of America, LabCorp
Classification: Uncertain significance. Last evaluated: 2023-01-10. Review status: criteria provided, single submitter. Criteria: LabCorp Variant Classification Summary - May 2015. Collection method: clinical testing. Allele origin: germline.
Comment: Variant summary: KAT6A c.3053A>T (p.His1018Leu) results in a non-conservative amino acid change in the encoded protein sequence. Three of five in-silico tools predict a damaging effect of the variant on protein function. The variant was absent in 248208 control chromosomes (gnomAD). The available data on variant occurrences in the general population are insufficient to allow any conclusion about variant significance. To our knowledge, no occurrence of c.3053A>T in individuals affected with Arboleda-Tham Syndrome and no experimental evidence demonstrating its impact on protein function have been reported. No clinical diagnostic laboratories have submitted clinical-significance assessments for this variant to ClinVar after 2014. Based on the evidence outlined above, the variant was classified as uncertain significance.

NM_006766.5(KAT6A):c.3053A>T (p.His1018Leu)

Gene: KAT6A (lysine acetyltransferase 6A; minus strand). Cytogenetic location: 8p11.21.
Variant type: single nucleotide variant.
Coding change: c.3053A>T on transcript NM_006766.5 (MANE Select); coding-DNA position 3053, A replaced by T.
Protein change: p.His1018Leu; replaces histidine 1018 with leucine.
Molecular consequence: missense variant.
Genome position (GRCh38, 1-based): chr8:41,937,555, T>A on the plus strand (A>T on the coding strand, the complement: KAT6A is on the minus strand). VCF-style: chr8-41937555-T-A. GRCh37 (hg19) VCF-style: chr8-41795073-T-A.
Other names: short protein forms H1018L.
Identifiers: ClinVar variation 2429225 (VCV002429225.3), dbSNP rs1484323218, ClinGen allele CA371071087.
Genomic context (GRCh38, chr8:41,937,555, plus strand): 5'-ATAGTTTCTGTGACTACACTGCTATTGTGGTGTTTGCGCTTTCGGACTCTCCTCCTTCGG[T>A]GGAGAAATGGTTTCTGTTTAATAGAGAAAGCAAGTATTTACAGTTATGAACACTATCTTT-3'
Protein context (NP_006757.2, residues 1008-1028): PTLKRKKPFL[His1018Leu]RRRRVRKRKH